The following is an entry in ClinVar:

NM_138694.4(PKHD1):c.6635C>G (p.Ala2212Gly)

Gene: PKHD1 (PKHD1 ciliary IPT domain containing fibrocystin/polyductin; minus strand). Cytogenetic location: 6p12.2.
Variant type: single nucleotide variant.
Coding change: c.6635C>G on transcript NM_138694.4 (MANE Select); coding-DNA position 6635, C replaced by G.
Protein change: p.Ala2212Gly; replaces alanine 2212 with glycine.
Molecular consequence: missense variant.
Genome position (GRCh38, 1-based): chr6:51,909,330, G>C on the plus strand (C>G on the coding strand, the complement: PKHD1 is on the minus strand). VCF-style: chr6-51909330-G-C. GRCh37 (hg19) VCF-style: chr6-51774128-G-C.
Other names: c.6635C>G, p.Ala2212Gly (NM_170724.3); short protein forms A2212G.
Identifiers: ClinVar variation 2960988 (VCV002960988.2), dbSNP rs142976025, ClinGen allele CA3852216.

ClinVar aggregate classification (germline): Uncertain significance. Review status: criteria provided, multiple submitters, no conflicts (2 of 4 stars). 2 submissions from 2 submitters: Uncertain significance (2). Last evaluated 2024-03-08.

Conditions:
Autosomal recessive polycystic kidney disease (ARPKD). Also called: AR polycystic kidney disease. Identifiers: Orphanet 731, Orphanet 8378, MedGen C0085548, MeSH D017044, MONDO:0009889.
Polycystic kidney disease 4 (PKD4). Also called: POLYCYSTIC KIDNEY DISEASE 4 WITH OR WITHOUT POLYCYSTIC LIVER DISEASE; POLYCYSTIC KIDNEY AND HEPATIC DISEASE 1; POLYCYSTIC KIDNEY DISEASE, INFANTILE, TYPE I; PKD3; Autosomal Recessive Polycystic Kidney Disease – PKHD1. Identifiers: MedGen C4540575, MONDO:0033004, OMIM 263200.

Allele frequency attached by ClinVar (database versions not stated): gnomAD 0.00003; ExAC 0.00004; TOPMed 0.00004; ESP Exome Variant Server 0.00015.
gnomAD v4.1: 8 of 1,613,358 alleles (0.0005%); highest among the groups gnomAD compares: African/African-American, 0.0094%; no homozygotes.

Submissions (2):

Fulgent Genetics
Classification: Uncertain significance for Polycystic kidney disease 4. Last evaluated: 2024-03-08. Review status: criteria provided, single submitter. Criteria: ACMG Guidelines, 2015. Collection method: clinical testing. Allele origin: germline.

Labcorp Genetics (formerly Invitae), Labcorp
Classification: Uncertain significance for Autosomal recessive polycystic kidney disease. Last evaluated: 2023-11-10. Review status: criteria provided, single submitter. Criteria: Invitae Variant Classification Sherloc (09022015). Collection method: clinical testing. Allele origin: germline.
Comment: This sequence change replaces alanine, which is neutral and non-polar, with glycine, which is neutral and non-polar, at codon 2212 of the PKHD1 protein (p.Ala2212Gly). This variant is present in population databases (rs142976025, gnomAD 0.03%). This variant has not been reported in the literature in individuals affected with PKHD1-related conditions. Advanced modeling of protein sequence and biophysical properties (such as structural, functional, and spatial information, amino acid conservation, physicochemical variation, residue mobility, and thermodynamic stability) has been performed at Invitae for this missense variant, however the output from this modeling did not meet the statistical confidence thresholds required to predict the impact of this variant on PKHD1 protein function. In summary, the available evidence is currently insufficient to determine the role of this variant in disease. Therefore, it has been classified as a Variant of Uncertain Significance.